The following is an entry in ClinVar:

ClinVar aggregate classification (germline): Benign/Likely benign. Review status: criteria provided, multiple submitters, no conflicts (2 of 4 stars). 4 submissions from 4 submitters: Benign (2); Likely benign (1). 1 of the submissions does not count toward it. Last evaluated 2025-12-26.

Conditions:
OXCT1-related disorder. Also called: OXCT1-related condition.
Succinyl-CoA acetoacetate transferase deficiency (SCOTD). Also called: SUCCINYL-CoA:3-KETOACID CoA-TRANSFERASE DEFICIENCY; Succinyl CoA:3-oxoacid CoA transferase deficiency; 3-Oxoacid CoA Transferase Deficiency; KETOACIDOSIS DUE TO SCOT DEFICIENCY; SCOT DEFICIENCY. Identifiers: Orphanet 832, MedGen C0342792, MONDO:0009492, OMIM 245050.

Allele frequency attached by ClinVar (database versions not stated): gnomAD exomes 0.00029 and 0.00061; ExAC 0.00068; gnomAD 0.00202 and 0.00215; 1000 Genomes Project 30x 0.00203; 1000 Genomes Project 0.00220; TOPMed 0.00220; ESP Exome Variant Server 0.00292.
gnomAD v4.1: 750 of 1,611,232 alleles (0.047%); highest among the groups gnomAD compares: African/African-American, 0.7%; no homozygotes.

Submissions (4):

Labcorp Genetics (formerly Invitae), Labcorp
Classification: Benign for Succinyl-CoA acetoacetate transferase deficiency. Last evaluated: 2025-12-26. Review status: criteria provided, single submitter. Criteria: Invitae Variant Classification Sherloc (09022015). Collection method: clinical testing. Allele origin: germline.

Blueprint Genetics
Classification: Likely benign. Last evaluated: 2024-10-18. Review status: criteria provided, single submitter. Criteria: ACMG Guidelines, 2015. Collection method: clinical testing. Allele origin: germline.

Breakthrough Genomics
Classification: Benign. Review status: criteria provided, single submitter. Criteria: ACMG Guidelines, 2015. Collection method: not provided. Allele origin: germline. Inheritance: Autosomal recessive inheritance. Affected: yes.

PreventionGenetics, part of Exact Sciences
Classification: Likely benign for OXCT1-related condition. Last evaluated: 2024-04-17. Review status: no assertion criteria provided. Collection method: clinical testing. Allele origin: germline. Not counted in ClinVar's aggregate classification.
Comment: This variant is classified as likely benign based on ACMG/AMP sequence variant interpretation guidelines (Richards et al. 2015 PMID: 25741868, with internal and published modifications).

NM_000436.4(OXCT1):c.660C>T (p.Asn220=)

Gene: OXCT1 (3-oxoacid CoA-transferase 1; minus strand). Cytogenetic location: 5p13.1.
Variant type: single nucleotide variant.
Coding change: c.660C>T on transcript NM_000436.4 (MANE Select); coding-DNA position 660, C replaced by T.
Protein change: p.Asn220=; no amino-acid change (asparagine 220 retained).
Molecular consequence: synonymous variant. On other transcripts: non-coding transcript variant (1).
Genome position (GRCh38, 1-based): chr5:41,842,686, G>A on the plus strand (C>T on the coding strand, the complement: OXCT1 is on the minus strand). VCF-style: chr5-41842686-G-A. GRCh37 (hg19) VCF-style: chr5-41842788-G-A.
Other names: c.681C>T, p.Asn227= (NM_001364299.2, NM_001364300.2); c.660C>T, p.Asn220= (NM_001364301.2, NM_001364302.2); c.102C>T, p.Asn34= (NM_001364303.2).
Identifiers: ClinVar variation 790905 (VCV000790905.15), dbSNP rs148089241, ClinGen allele CA3253542.
Genomic context (GRCh38, chr5:41,842,686, plus strand): 5'-TTTTTAGAGTTGCTGATATGCACGAGTGTTTTTAAAACTATCACAATACCTGAAAATCAC[G>A]TTTCCTGCTCGGTCCGCCTTCCAGGCTTTCACCAAAGCAAAATCCCCTGTAATTGCTTCC-3'
Protein context (NP_000427.1, residues 210-230): VKAWKADRAG[Asn220=]VIFRKSARNF